The following is an entry in ClinVar:

ClinVar aggregate classification (germline): Uncertain significance. Review status: criteria provided, multiple submitters, no conflicts (2 of 4 stars). 2 submissions from 2 submitters: Uncertain significance (2). Last evaluated 2026-04-14.

Submissions (2):

GeneDx
Classification: Uncertain significance. Last evaluated: 2026-04-14. Review status: criteria provided, single submitter. Criteria: GeneDx Variant Classification Process June 2021. Collection method: clinical testing. Allele origin: germline.
Comment: Not observed at significant frequency in large population cohorts (gnomAD); In silico analysis supports that this missense variant has a deleterious effect on protein structure/function; Has not been previously published as pathogenic or benign to our knowledge

Blueprint Genetics
Classification: Uncertain significance. Last evaluated: 2024-06-25. Review status: criteria provided, single submitter. Criteria: ACMG Guidelines, 2015. Collection method: clinical testing. Allele origin: germline.

NM_001377.3(DYNC2H1):c.5720T>C (p.Met1907Thr)

Gene: DYNC2H1 (dynein cytoplasmic 2 heavy chain 1; plus strand). Cytogenetic location: 11q22.3.
Variant type: single nucleotide variant.
Coding change: c.5720T>C on transcript NM_001377.3 (MANE Select); coding-DNA position 5720, T replaced by C.
Protein change: p.Met1907Thr; replaces methionine 1907 with threonine.
Molecular consequence: missense variant.
Genome position (GRCh38, 1-based): chr11:103,176,280, T>C. VCF-style: chr11-103176280-T-C. GRCh37 (hg19) VCF-style: chr11-103047009-T-C.
Other names: c.5720T>C, p.Met1907Thr (NM_001080463.2); c.5720T>C (NM_001080463.1); short protein forms M1907T.
Identifiers: ClinVar variation 4913732 (VCV004913732.2).